The following is an entry in ClinVar:

ClinVar aggregate classification (germline): Conflicting classifications of pathogenicity. Review status: criteria provided, conflicting classifications (1 of 4 stars). 4 submissions from 4 submitters: Uncertain significance (3); Likely benign (1). Last evaluated 2025-06-05.

Conditions:
Hereditary breast ovarian cancer syndrome. Also called: Hereditary breast and ovarian cancer syndrome (HBOC); Hereditary breast and ovarian cancer syndrome; Breast and ovarian cancer; Hereditary breast and/or ovarian cancer syndrome; Hereditary breast and ovarian cancer; BRCA1- and BRCA2-Associated Hereditary Breast and Ovarian Cancer. Identifiers: Orphanet 145, MedGen C0677776, MeSH D061325, MONDO:0003582. Disease mechanism: loss of function.
Hereditary cancer-predisposing syndrome. Also called: Neoplastic Syndromes, Hereditary; Hereditary Cancer Syndrome; Hereditary neoplastic syndrome; Tumor predisposition. Identifiers: Orphanet 140162, MedGen C0027672, MeSH D009386, MONDO:0015356.

gnomAD v4.1: 1 of 1,613,754 alleles (0.000062%); no homozygotes.

Submissions (4):

Ambry Genetics
Classification: Uncertain significance for Hereditary cancer-predisposing syndrome. Last evaluated: 2025-06-05. Review status: criteria provided, single submitter. Criteria: Ambry Variant Classification Scheme 2023. Collection method: clinical testing. Allele origin: germline.
Comment: The p.C1820Y variant (also known as c.5459G>A), located in coding exon 10 of the BRCA2 gene, results from a G to A substitution at nucleotide position 5459. The cysteine at codon 1820 is replaced by tyrosine, an amino acid with highly dissimilar properties. This amino acid position is conserved. In addition, this alteration is predicted to be tolerated by in silico analysis. Based on the available evidence, the clinical significance of this variant remains unclear.

Labcorp Genetics (formerly Invitae), Labcorp
Classification: Uncertain significance for Hereditary breast ovarian cancer syndrome. Last evaluated: 2025-04-10. Review status: criteria provided, single submitter. Criteria: Invitae Variant Classification Sherloc (09022015). Collection method: clinical testing. Allele origin: germline.
Comment: This sequence change replaces cysteine, which is neutral and slightly polar, with tyrosine, which is neutral and polar, at codon 1820 of the BRCA2 protein (p.Cys1820Tyr). This variant is not present in population databases (gnomAD no frequency). This variant has not been reported in the literature in individuals affected with BRCA2-related conditions. ClinVar contains an entry for this variant (Variation ID: 462380). Invitae Evidence Modeling of protein sequence and biophysical properties (such as structural, functional, and spatial information, amino acid conservation, physicochemical variation, residue mobility, and thermodynamic stability) indicates that this missense variant is not expected to disrupt BRCA2 protein function with a negative predictive value of 95%. In summary, the available evidence is currently insufficient to determine the role of this variant in disease. Therefore, it has been classified as a Variant of Uncertain Significance.

University of Washington Department of Laboratory Medicine, University of Washington
Classification: Likely benign for Hereditary cancer-predisposing syndrome. Last evaluated: 2023-03-23. Review status: criteria provided, single submitter. Criteria: Dines et al. (Genet Med. 2020). Collection method: curation. Allele origin: germline.
Comment: Missense variant in a coldspot region where missense variants are very unlikely to be pathogenic (PMID:31911673).

BRCA2 exon 11 coldspot. Reclassification based on statistical prior probability.

National Health Laboratory Service, Universitas Academic Hospital and University of the Free State
Classification: Uncertain significance for Hereditary breast ovarian cancer syndrome. Last evaluated: 2021-11-16. Review status: criteria provided, single submitter. Criteria: ACMG Guidelines, 2015. Collection method: clinical testing. Allele origin: germline. Affected: yes. Observed: 1 variant allele.

Literature cited by the submitters: DOI 10.3389/fgene.2022.834265 (cited by National Health Laboratory Service, Universitas Academic Hospital and University of the Free State).

NM_000059.4(BRCA2):c.5459G>A (p.Cys1820Tyr)

Gene: BRCA2 (BRCA2 DNA repair associated; plus strand). Cytogenetic location: 13q13.1.
Variant type: single nucleotide variant.
Coding change: c.5459G>A on transcript NM_000059.4 (MANE Select); coding-DNA position 5459, G replaced by A.
Protein change: p.Cys1820Tyr; replaces cysteine 1820 with tyrosine.
Molecular consequence: missense variant.
Genome position (GRCh38, 1-based): chr13:32,339,814, G>A. VCF-style: chr13-32339814-G-A. GRCh37 (hg19) VCF-style: chr13-32913951-G-A.
Other names: NP_000050.3:p.Cys1820Tyr; short protein forms C1820Y.
Identifiers: ClinVar variation 462380 (VCV000462380.24), dbSNP rs1555284235, ClinGen allele CA387785630.